The following is an entry in ClinVar:

NM_001163435.3(TBCK):c.873A>T (p.Ser291=)

Gene: TBCK (TBC1 domain containing kinase; minus strand). Cytogenetic location: 4q24.
Variant type: single nucleotide variant.
Coding change: c.873A>T on transcript NM_001163435.3 (MANE Select); coding-DNA position 873, A replaced by T.
Protein change: p.Ser291=; no amino-acid change (serine 291 retained).
Molecular consequence: synonymous variant.
Genome position (GRCh38, 1-based): chr4:106,247,197, T>A on the plus strand (A>T on the coding strand, the complement: TBCK is on the minus strand). VCF-style: chr4-106247197-T-A. GRCh37 (hg19) VCF-style: chr4-107168354-T-A.
Other names: c.873A>T, p.Ser291= (NM_001163436.4); c.756A>T, p.Ser252= (NM_001163437.3); c.357A>T, p.Ser119= (NM_001290768.2); c.684A>T, p.Ser228= (NM_033115.5); c.873A>T (NM_001163435.2).
Identifiers: ClinVar variation 1623351 (VCV001623351.11), dbSNP rs761815146, ClinGen allele CA3035264.

ClinVar aggregate classification (germline): Likely benign. Review status: criteria provided, multiple submitters, no conflicts (2 of 4 stars). 3 submissions from 3 submitters: Likely benign (2). 1 of the submissions does not count toward it. Last evaluated 2026-09-01.

Conditions:
TBCK-related disorder. Also called: TBCK-related disorders; TBCK-related condition.

Allele frequency attached by ClinVar (database versions not stated): ExAC 0.00002.
gnomAD v4.1: 19 of 1,613,430 alleles (0.0012%); highest among the groups gnomAD compares: Admixed American, 0.032%; no homozygotes.

Submissions (3):

CeGaT Center for Human Genetics Tuebingen
Classification: Likely benign. Last evaluated: 2026-09-01. Review status: criteria provided, single submitter. Criteria: CeGaT Center For Human Genetics Tuebingen Variant Classification Criteria Version 2. Collection method: clinical testing. Allele origin: germline. Affected: yes. Observed: 1 variant allele.
Comment: TBCK: BP4, BP7

Labcorp Genetics (formerly Invitae), Labcorp
Classification: Likely benign. Last evaluated: 2025-03-17. Review status: criteria provided, single submitter. Criteria: Invitae Variant Classification Sherloc (09022015). Collection method: clinical testing. Allele origin: germline.

PreventionGenetics, part of Exact Sciences
Classification: Likely benign for TBCK-related condition. Last evaluated: 2019-07-15. Review status: no assertion criteria provided. Collection method: clinical testing. Allele origin: germline. Not counted in ClinVar's aggregate classification.
Comment: This variant is classified as likely benign based on ACMG/AMP sequence variant interpretation guidelines (Richards et al. 2015 PMID: 25741868, with internal and published modifications).